The following is an entry in ClinVar:

ClinVar aggregate classification (germline): Likely pathogenic (1 of 4 stars; one submission).

Conditions:
Hereditary factor XI deficiency disease. Also called: PLASMA THROMBOPLASTIN ANTECEDENT DEFICIENCY; PTA DEFICIENCY; ROSENTHAL SYNDROME; Congenital factor XI deficiency. Identifiers: Orphanet 329, MedGen C0015523, MeSH D005173, MONDO:0012897, OMIM 612416.

Submission:

Juno Genomics, Hangzhou Juno Genomics, Inc
Classification: Likely pathogenic for Hereditary factor XI deficiency disease. Review status: criteria provided, single submitter. Criteria: ACMG Guidelines, 2015. Collection method: clinical testing. Allele origin: germline.
Comment: Absent from controls (or at extremely low frequency if recessive) in Genome Aggregation Database.;Null variant in a gene where loss of function (LOF) is a known mechanism of disease.

NM_000128.4(F11):c.930del (p.Ala311fs)

Gene: F11 (coagulation factor XI; plus strand). Cytogenetic location: 4q35.2.
Variant type: Deletion.
Coding change: c.930del on transcript NM_000128.4 (MANE Select); coding-DNA position 930, one base deleted (T; older notation c.930delT).
Protein change: p.Ala311fs; shifts the reading frame from alanine 311.
Molecular consequence: frameshift variant.
Genome position (GRCh38, 1-based): chr4:186,280,287, T deleted. VCF-style (leftmost placement, unchanged base first): chr4-186280286-CT-C. GRCh37 (hg19) VCF-style: chr4-187201440-CT-C.
Other names: c.882del, p.Ala295fs (NM_001440590.1, NM_001440596.1); c.930del, p.Ala311fs (NM_001440593.1); c.660del, p.Ala221fs (NM_001440605.1, NM_001440607.1); c.612del, p.Ala205fs (NM_001440606.1, NM_001440608.1); short protein forms A205fs, A221fs, A295fs, A311fs.
Identifiers: ClinVar variation 5019403 (VCV005019403.2).